The following is an entry in ClinVar:

NM_004329.3(BMPR1A):c.67+5A>G

Gene: BMPR1A (bone morphogenetic protein receptor type 1A; plus strand). Cytogenetic location: 10q23.2.
Variant type: single nucleotide variant.
Coding change: c.67+5A>G on transcript NM_004329.3 (MANE Select); 5 bases into the intron after coding-DNA position 67, A replaced by G.
Molecular consequence: intron variant.
Genome position (GRCh38, 1-based): chr10:86,876,090, A>G. VCF-style: chr10-86876090-A-G. GRCh37 (hg19) VCF-style: chr10-88635847-A-G.
Other names: c.67+5A>G (NM_001406564.1, NM_001406566.1, NM_001406577.1 and 23 more transcripts); c.-17-13972A>G (NM_001406584.1, NM_001406587.1, NM_001406585.1); c.-13+5A>G (NM_001406588.1); c.-12-13977A>G (NM_001406586.1).
Identifiers: ClinVar variation 3378509 (VCV003378509.1).

ClinVar aggregate classification (germline): Likely benign (1 of 4 stars; one submission).

Conditions:
Juvenile polyposis syndrome (JPS). Identifiers: Orphanet 2929, MedGen C0345893, MONDO:0017380, OMIM 174900.

Submission:

Myriad Genetics, Inc.
Classification: Likely benign for Juvenile polyposis syndrome. Last evaluated: 2024-07-30. Review status: criteria provided, single submitter. Criteria: Myriad Autosomal Dominant, Autosomal Recessive and X-Linked Classification Criteria (2023). Collection method: clinical testing. Allele origin: unknown.
Comment: This variant is considered likely benign. This variant is intronic and is not expected to impact mRNA splicing.